The following is an entry in ClinVar:

NM_001100.4(ACTA1):c.36C>T (p.Cys12=)

Gene: ACTA1 (actin alpha 1, skeletal muscle; minus strand). Cytogenetic location: 1q42.13.
Variant type: single nucleotide variant.
Coding change: c.36C>T on transcript NM_001100.4 (MANE Select); coding-DNA position 36, C replaced by T.
Protein change: p.Cys12=; no amino-acid change (cysteine 12 retained).
Molecular consequence: synonymous variant.
Genome position (GRCh38, 1-based): chr1:229,433,080, G>A on the plus strand (C>T on the coding strand, the complement: ACTA1 is on the minus strand). VCF-style: chr1-229433080-G-A. GRCh37 (hg19) VCF-style: chr1-229568827-G-A.
Other names: NM_001100.4(ACTA1):c.36C>T; p.Cys12=.
Identifiers: ClinVar variation 511235 (VCV000511235.5), dbSNP rs1025502215, ClinGen allele CA38817036.

ClinVar aggregate classification (germline): Likely benign. Review status: reviewed by expert panel (3 of 4 stars). 3 submissions from 3 submitters: Likely benign (1). 2 of the submissions do not count toward it. Last evaluated 2024-08-27.

Conditions:
Alpha-actinopathy. Also called: Actinopathy. Identifiers: MedGen CN295279, MONDO:0100084.

Allele frequency attached by ClinVar (database versions not stated): gnomAD exomes below 0.00001; gnomAD 0.00001; TOPMed 0.00002.

Submissions (3):

ClinGen Congenital Myopathies Variant Curation Expert Panel, ClinGen
Classification: Likely benign for Alpha-actinopathy. Last evaluated: 2024-08-27. Review status: reviewed by expert panel. Criteria: ClinGen CongenMyopathy ACMG Specifications ACTA1_AD_ V2.0.0. Collection method: curation. Allele origin: germline. Inheritance: Autosomal dominant inheritance.
Comment: The variant NM_001100.4:c.36C>T is a synonymous (silent) variant (p.Cys12=) in exon 2/7. The highest population minor allele frequency in gnomAD v4.1.0 is 0.000002478 (3/1180002 alleles) in European (non-Finnish) population (no population codes met). This silent variant is not predicted to impact splicing by SpliceAI. In addition, it occurs at a nucleotide that is poorly conserved as shown by the UCSC Genome Browser (BP4, BP7). In summary, the variant meets criteria to be classified as likely benign for autosomal dominant alpha-actinopathy. ACMG/AMP criteria met, as specified by the ClinGen Congenital Myopathies VCEP: BP4, BP7 (ClinGen Congenital Myopathies VCEP specifications version 2; 08/27/2024).

Labcorp Genetics (formerly Invitae), Labcorp
Classification: Likely benign. Last evaluated: 2018-03-29. Review status: criteria provided, single submitter. Criteria: Invitae Variant Classification Sherloc (09022015). Collection method: clinical testing. Allele origin: germline. Not counted in ClinVar's aggregate classification.

GeneDx
Classification: Likely benign. Last evaluated: 2017-08-02. Review status: criteria provided, single submitter. Criteria: GeneDx Variant Classification (06012015). Collection method: clinical testing. Allele origin: germline. Affected: yes. Not counted in ClinVar's aggregate classification.
Comment: This variant is considered likely benign or benign based on one or more of the following criteria: it is a conservative change, it occurs at a poorly conserved position in the protein, it is predicted to be benign by multiple in silico algorithms, and/or has population frequency not consistent with disease.